The following is an entry in ClinVar:

Conditions:
Long QT syndrome 5 (LQT5). Identifiers: Orphanet 101016, Orphanet 768, MedGen C1867904, MONDO:0013372, OMIM 613695.

Submission:

Roden Lab, Vanderbilt University Medical Center
No classification provided (evidence only). Condition: Long QT syndrome 5. Review status: no classification provided. Collection method: in vitro. Allele origin: not applicable. Functional consequence: Effect on ion channel function.
ClinVar note: "not provided" was previously submitted as the classification for the variant. However, the classification appeared to be based only on an observation of functional data so it was converted to no classification on 2025-07-30.

NM_000219.6(KCNE1):c.141C>A (p.Val47=)

Gene: KCNE1 (potassium voltage-gated channel subfamily E regulatory subunit 1; minus strand). Cytogenetic location: 21q22.12.
Variant type: single nucleotide variant.
Coding change: c.141C>A on transcript NM_000219.6 (MANE Select); coding-DNA position 141, C replaced by A.
Protein change: p.Val47=; no amino-acid change (valine 47 retained).
Molecular consequence: synonymous variant.
Genome position (GRCh38, 1-based): chr21:34,449,494, G>T on the plus strand (C>A on the coding strand, the complement: KCNE1 is on the minus strand). VCF-style: chr21-34449494-G-T. GRCh37 (hg19) VCF-style: chr21-35821792-G-T.
Other names: c.141C>A, p.Val47= (NM_001127668.4, NM_001127669.4, NM_001127670.4 and 4 more transcripts).
Identifiers: ClinVar variation 3374152 (VCV003374152.2).
Genomic context (GRCh38, chr21:34,449,494, plus strand): 5'-GCGGATGTAGCTCAGCATGATGCCCAGGGTGAAGAAGCCGAAGAATCCCAGTACCATGAG[G>T]ACGTAGAGGGCCTCCAGCTTGCCGTCACTGCTGCGGGGGGACCTGCGGGCCAGGCCCGAC-3'
Protein context (NP_000210.2, residues 37-57): SSDGKLEALY[Val47=]LMVLGFFGFF